The following is an entry in ClinVar:

NM_003244.4(TGIF1):c.480G>A (p.Pro160=)

Gene: TGIF1 (TGFB induced factor homeobox 1; plus strand). Cytogenetic location: 18p11.31.
Variant type: single nucleotide variant.
Coding change: c.480G>A on transcript NM_003244.4 (MANE Select); coding-DNA position 480, G replaced by A.
Protein change: p.Pro160=; no amino-acid change (proline 160 retained).
Molecular consequence: synonymous variant.
Genome position (GRCh38, 1-based): chr18:3,457,601, G>A. VCF-style: chr18-3457601-G-A. GRCh37 (hg19) VCF-style: chr18-3457599-G-A.
Other names: c.489G>A, p.Pro163= (NM_001278682.2); c.480G>A, p.Pro160= (NM_001278684.2, NM_173208.3); c.420G>A, p.Pro140= (NM_001278686.3, NM_001374396.1, NM_001374397.1 and 5 more transcripts); c.522G>A, p.Pro174= (NM_173207.4).
Identifiers: ClinVar variation 5040791 (VCV005040791.1).

ClinVar aggregate classification (germline): Likely benign (1 of 4 stars; one submission).

gnomAD v4.1: 13 of 1,614,076 alleles (0.00081%); highest among the groups gnomAD compares: Middle Eastern, 0.016%; no homozygotes.

Submission:

CeGaT Center for Human Genetics Tuebingen
Classification: Likely benign. Last evaluated: 2026-09-01. Review status: criteria provided, single submitter. Criteria: CeGaT Center For Human Genetics Tuebingen Variant Classification Criteria Version 2. Collection method: clinical testing. Allele origin: germline. Affected: yes. Observed: 1 variant allele.
Comment: TGIF1: BP4, BP7